The following is an entry in ClinVar:

NM_004415.4(DSP):c.6380C>T (p.Ala2127Val)

Gene: DSP (desmoplakin; plus strand). Cytogenetic location: 6p24.3.
Variant type: single nucleotide variant.
Coding change: c.6380C>T on transcript NM_004415.4 (MANE Select); coding-DNA position 6380, C replaced by T.
Protein change: p.Ala2127Val; replaces alanine 2127 with valine.
Molecular consequence: missense variant.
Genome position (GRCh38, 1-based): chr6:7,583,642, C>T. VCF-style: chr6-7583642-C-T. GRCh37 (hg19) VCF-style: chr6-7583875-C-T.
Other names: c.4583C>T, p.Ala1528Val (NM_001008844.3); c.5051C>T, p.Ala1684Val (NM_001319034.2); short protein forms A2127V, A1684V, A1528V.
Identifiers: ClinVar variation 2775342 (VCV002775342.2), dbSNP rs2533940799, ClinGen allele CA362690675.
Genomic context (GRCh38, chr6:7,583,642, plus strand): 5'-TTTCAGAAGCCATCAAGAAAAATTTGATTGATAGAGAAACCGGAATGCGCCTGCTGGAAG[C>T]CCAGATTGCTTCAGGGGGTGTAGTAGACCCTGTGAACAGTGTCTTTTTGCCAAAAGATGT-3'
Protein context (NP_004406.2, residues 2117-2137): DRETGMRLLE[Ala2127Val]QIASGGVVDP

ClinVar aggregate classification (germline): Uncertain significance (1 of 4 stars; one submission).

Conditions:
Cardiomyopathy (CMYO). Also called: Cardiomyopathies. Identifiers: Orphanet 167848, MedGen C0878544, MONDO:0004994, HP:0001638. Inheritance: Various modes of inheritance.

Submission:

Color Diagnostics, LLC DBA Color Health
Classification: Uncertain significance for Cardiomyopathy. Last evaluated: 2023-10-09. Review status: criteria provided, single submitter. Criteria: ACMG Guidelines, 2015. Collection method: clinical testing. Allele origin: germline.
Comment: This missense variant replaces alanine with valine at codon 2127 of the DSP protein. Computational prediction is inconclusive regarding the impact of this variant on protein structure and function (internally defined REVEL score threshold 0.5 < inconclusive < 0.7, PMID: 27666373). To our knowledge, functional studies have not been reported for this variant. This variant has not been reported in individuals affected with DSP-related disorders in the literature. This variant has not been identified in the general population by the Genome Aggregation Database (gnomAD). The available evidence is insufficient to determine the role of this variant in disease conclusively. Therefore, this variant is classified as a Variant of Uncertain Significance.